The following is an entry in ClinVar:

NM_000465.4(BARD1):c.1803C>G (p.Asp601Glu)

Gene: BARD1 (BRCA1 associated RING domain 1; minus strand). Cytogenetic location: 2q35.
Variant type: single nucleotide variant.
Coding change: c.1803C>G on transcript NM_000465.4 (MANE Select); coding-DNA position 1803, C replaced by G.
Protein change: p.Asp601Glu; replaces aspartic acid 601 with glutamic acid.
Molecular consequence: missense variant. On other transcripts: non-coding transcript variant (3), intron variant (1).
Genome position (GRCh38, 1-based): chr2:214,745,729, G>C on the plus strand (C>G on the coding strand, the complement: BARD1 is on the minus strand). VCF-style: chr2-214745729-G-C. GRCh37 (hg19) VCF-style: chr2-215610453-G-C.
Other names: c.450C>G, p.Asp150Glu (NM_001282545.2); c.393C>G, p.Asp131Glu (NM_001282548.2); c.365-15221C>G (NM_001282549.2); c.1746C>G, p.Asp582Glu (NM_001282543.2); short protein forms D150E, D582E, D131E, D601E.
Identifiers: ClinVar variation 3988744 (VCV003988744.1).
Genomic context (GRCh38, chr2:214,745,729, plus strand): 5'-ATCATCTATTTAACATTTTTTCTACCCCACCTCCCAAAATTCAAAATCCTCACCTGTACT[G>C]TCAAACTCAGTATATTTTTTAGCCTTAAGAATTACTGCAAGCTCACTGAGCATTTTCTGT-3'
Protein context (NP_000456.2, residues 591-611): ILKAKKYTEF[Asp601Glu]STVTHVVVPG

ClinVar aggregate classification (germline): Uncertain significance (1 of 4 stars; one submission).

Conditions:
Hereditary cancer-predisposing syndrome. Also called: Tumor predisposition; Hereditary neoplastic syndrome; Neoplastic Syndromes, Hereditary; Hereditary Cancer Syndrome. Identifiers: Orphanet 140162, MedGen C0027672, MeSH D009386, MONDO:0015356.

Submission:

Ambry Genetics
Classification: Uncertain significance for Hereditary cancer-predisposing syndrome. Last evaluated: 2025-06-14. Review status: criteria provided, single submitter. Criteria: Ambry Variant Classification Scheme 2023. Collection method: clinical testing. Allele origin: germline.
Comment: The p.D601E variant (also known as c.1803C>G), located in coding exon 8 of the BARD1 gene, results from a C to G substitution at nucleotide position 1803. The aspartic acid at codon 601 is replaced by glutamic acid, an amino acid with highly similar properties. This amino acid position is conserved. In addition, this alteration is predicted to be tolerated by in silico analysis. Based on the available evidence, the clinical significance of this variant remains unclear.